The following is an entry in ClinVar:

ClinVar aggregate classification (germline): Pathogenic. Review status: criteria provided, multiple submitters, no conflicts (2 of 4 stars). 3 submissions from 3 submitters: Pathogenic (3). Last evaluated 2024-06-27.

Conditions:
Deficiency of steroid 17-alpha-monooxygenase. Also called: 17-ALPHA-HYDROXYLASE DEFICIENCY; Congenital adrenal hyperplasia due to 17-alpha-hydroxylase deficiency; Congenital adrenal hyperplasia type 5; ADRENAL HYPERPLASIA V; 17-alpha-hydroxylase/17,20-lyase deficiency. Identifiers: Orphanet 90793, MedGen C0268285, MONDO:0008730, OMIM 202110.

gnomAD v4.1: 3 of 1,610,240 alleles (0.00019%); highest among the groups gnomAD compares: South Asian, 0.0011%; no homozygotes.

Submissions (3):

Natera, Inc.
Classification: Pathogenic for Deficiency of steroid 17-alpha-monooxygenase. Last evaluated: 2024-06-27. Review status: criteria provided, single submitter. Criteria: Natera Variant Classification Schema (03/2026). Collection method: clinical testing. Allele origin: germline.
Comment: The c.1072C>T variant in CYP17A1 is a nonsense variant predicted to introduce a stop codon at amino acid 358. This variant is expected to result in nonsense mediated decay, truncation, or a dysfunctional protein product. This variant is rare in the general population with a frequency below the threshold expected for the associated phenotype(s). This variant has been observed in one or more individuals affected with the associated recessive disease, as either homozygous or compound heterozygous with a second variant (PMID: 21966534). Given the available evidence, this variant is classified as Pathogenic.

Revvity Omics, Revvity
Classification: Pathogenic for Deficiency of steroid 17-alpha-monooxygenase. Last evaluated: 2024-06-25. Review status: criteria provided, single submitter. Criteria: ACMG Guidelines, 2015. Collection method: clinical testing. Allele origin: germline.

Labcorp Genetics (formerly Invitae), Labcorp
Classification: Pathogenic. Last evaluated: 2023-07-18. Review status: criteria provided, single submitter. Criteria: Invitae Variant Classification Sherloc (09022015). Collection method: clinical testing. Allele origin: germline.
Comment: For these reasons, this variant has been classified as Pathogenic. Algorithms developed to predict the effect of sequence changes on RNA splicing suggest that this variant may create or strengthen a splice site. ClinVar contains an entry for this variant (Variation ID: 1074306). This premature translational stop signal has been observed in individual(s) with CYP17A1-related conditions (PMID: 18422032, 21966534). This variant is not present in population databases (gnomAD no frequency). This sequence change creates a premature translational stop signal (p.Arg358*) in the CYP17A1 gene. It is expected to result in an absent or disrupted protein product. Loss-of-function variants in CYP17A1 are known to be pathogenic (PMID: 10720067, 14747197, 17192295, 20197673, 24140098).

Literature cited by the submitters: PubMed 21966534 (cited by Natera, Inc. and Labcorp Genetics (formerly Invitae), Labcorp); PubMed 18422032 (cited by Labcorp Genetics (formerly Invitae), Labcorp); PubMed 10720067 (cited by Labcorp Genetics (formerly Invitae), Labcorp); PubMed 14747197 (cited by Labcorp Genetics (formerly Invitae), Labcorp); PubMed 17192295 (cited by Labcorp Genetics (formerly Invitae), Labcorp); PubMed 20197673 (cited by Labcorp Genetics (formerly Invitae), Labcorp); PubMed 24140098 (cited by Labcorp Genetics (formerly Invitae), Labcorp).

NM_000102.4(CYP17A1):c.1072C>T (p.Arg358Ter)

Gene: CYP17A1 (cytochrome P450 family 17 subfamily A member 1; minus strand). Cytogenetic location: 10q24.32.
Variant type: single nucleotide variant.
Coding change: c.1072C>T on transcript NM_000102.4 (MANE Select); coding-DNA position 1072, C replaced by T.
Protein change: p.Arg358Ter; replaces arginine 358 with a stop codon.
Molecular consequence: nonsense.
Genome position (GRCh38, 1-based): chr10:102,832,578, G>A on the plus strand (C>T on the coding strand, the complement: CYP17A1 is on the minus strand). VCF-style: chr10-102832578-G-A. GRCh37 (hg19) VCF-style: chr10-104592335-G-A.
Other names: c.1072C>T (NM_000102.3); short protein forms R358*.
Identifiers: ClinVar variation 1074306 (VCV001074306.14), dbSNP rs2134082367, ClinGen allele CA377938791.